The following is an entry in ClinVar:

NM_022168.4(IFIH1):c.2092_2304+447del

Gene: IFIH1 (interferon induced with helicase C domain 1; minus strand). Cytogenetic location: 2q24.2.
Variant type: Deletion.
Coding change: c.2092_2304+447del on transcript NM_022168.4 (MANE Select); coding-DNA position 2092 through 447 bases into the intron after coding-DNA position 2304, 660 bases deleted.
Molecular consequence: splice donor variant.
Genome position (GRCh38, 1-based): chr2:162,276,240-162,276,899, 660 bases deleted. GRCh37 (hg19): chr2:163,132,755-163,133,414.
Identifiers: ClinVar variation 2940923 (VCV002940923.3), dbSNP rs2468956904, ClinGen allele CA2740095767.

ClinVar aggregate classification (germline): Uncertain significance (1 of 4 stars; one submission).

Conditions:
Aicardi-Goutieres syndrome 7 (AGS7). Identifiers: Orphanet 51, MedGen C3888244, MONDO:0014367, OMIM 615846.
Singleton-Merten syndrome 1 (SGMRT1). Also called: Widened medullary cavities of bone, aortic calcification, abnormal dentition, and muscular weakness; Syndrome of widened medullary cavities of the metacarpals and phalanges, aortic calcification and abnormal dentition. Identifiers: Orphanet 85191, MedGen C4225427, MONDO:0024535, OMIM 182250.

Submission:

Labcorp Genetics (formerly Invitae), Labcorp
Classification: Uncertain significance for Aicardi-Goutieres syndrome 7; Singleton-Merten syndrome 1. Last evaluated: 2022-10-19. Review status: criteria provided, single submitter. Criteria: Invitae Variant Classification Sherloc (09022015). Collection method: clinical testing. Allele origin: germline.
Comment: In summary, the available evidence is currently insufficient to determine the role of this variant in disease. Therefore, it has been classified as a Variant of Uncertain Significance. Experimental studies and prediction algorithms are not available or were not evaluated, and the effect of this variant on mRNA splicing is currently unknown. This variant has not been reported in the literature in individuals affected with IFIH1-related conditions. This variant is not present in population databases (gnomAD no frequency). This variant results in the deletion of part of exon 11 (c.2092_2304+447del) of the IFIH1 gene. It is expected to disrupt RNA splicing. Variants that disrupt the donor or acceptor splice site typically lead to a loss of protein function (PMID: 16199547), however the current clinical and genetic evidence is not sufficient to establish whether loss-of-function variants in IFIH1 cause disease.

Literature cited by the submitters: PubMed 16199547.